The following is an entry in ClinVar:

ClinVar aggregate classification (germline): Uncertain significance (1 of 4 stars; one submission).

Conditions:
NRP1-related disorder. Also called: NRP1-related condition.

gnomAD v4.1: 2 of 1,611,446 alleles (0.00012%); highest among the groups gnomAD compares: Non-Finnish European, 0.00017%; no homozygotes.

Submission:

PreventionGenetics, part of Exact Sciences
Classification: Uncertain significance for NRP1-related condition. Last evaluated: 2025-07-24. Review status: criteria provided, single submitter. Criteria: ACMG Guidelines, 2015. Collection method: clinical testing. Allele origin: germline.
Comment: The NRP1 c.2480C>G variant is predicted to result in the amino acid substitution p.Thr827Arg. To our knowledge, this variant has not been reported in the literature. This variant is reported in 0.0018% of alleles in individuals of European (Non-Finnish) descent in gnomAD. At this time, the clinical significance of this variant is uncertain due to the absence of conclusive functional and genetic evidence.

NM_003873.7(NRP1):c.2480C>G (p.Thr827Arg)

Gene: NRP1 (neuropilin 1; minus strand). Cytogenetic location: 10p11.22.
Variant type: single nucleotide variant.
Coding change: c.2480C>G on transcript NM_003873.7 (MANE Select); coding-DNA position 2480, C replaced by G.
Protein change: p.Thr827Arg; replaces threonine 827 with arginine.
Molecular consequence: missense variant. On other transcripts: non-coding transcript variant (1), intron variant (1).
Genome position (GRCh38, 1-based): chr10:33,182,700, G>C on the plus strand (C>G on the coding strand, the complement: NRP1 is on the minus strand). VCF-style: chr10-33182700-G-C. GRCh37 (hg19) VCF-style: chr10-33471628-G-C.
Other names: c.2462C>G, p.Thr821Arg (NM_001244972.2); c.2459C>G, p.Thr820Arg (NM_001244973.2); c.2432-2335C>G (NM_001330068.2); short protein forms T820R, T821R, T827R.
Identifiers: ClinVar variation 4987672 (VCV004987672.1).
Genomic context (GRCh38, chr10:33,182,700, plus strand): 5'-AAACACAATGAAAGCCATAGTAAAATTTTTTAAAAATTGGTCAGCAAGACAAATTTACCT[G>C]TTTCATCAATTTTAATTTCTGGGTTCTTTTTATCCAGGTCTGCTGGTTCTGACAAGTCAA-3'
Protein context (NP_003864.5, residues 817-837): KKNPEIKIDE[Thr827Arg]GSTPGYEGEG